The following is an entry in ClinVar:

ClinVar aggregate classification (germline): Likely benign. Review status: criteria provided, multiple submitters, no conflicts (2 of 4 stars). 6 submissions from 6 submitters: Likely benign (6). Last evaluated 2026-01-17.

Conditions:
Cardiovascular phenotype. Identifiers: MedGen CN230736.
Cardiomyopathy (CMYO). Also called: Cardiomyopathies. Identifiers: Orphanet 167848, MedGen C0878544, MONDO:0004994, HP:0001638. Inheritance: Various modes of inheritance.
Hypertrophic cardiomyopathy. Also called: HYPERTROPHIC MYOCARDIOPATHY. Identifiers: Orphanet 217569, MedGen C0007194, MeSH D002312, MONDO:0005045, HP:0001639.

Allele frequency attached by ClinVar (database versions not stated): gnomAD exomes 0.00001; TOPMed 0.00001; gnomAD 0.00006.
gnomAD v4.1: 28 of 1,550,638 alleles (0.0018%); highest among the groups gnomAD compares: African/African-American, 0.0027%; no homozygotes.

Submissions (6):

Labcorp Genetics (formerly Invitae), Labcorp
Classification: Likely benign for Hypertrophic cardiomyopathy. Last evaluated: 2026-01-17. Review status: criteria provided, single submitter. Criteria: Invitae Variant Classification Sherloc (09022015). Collection method: clinical testing. Allele origin: germline.

Blueprint Genetics
Classification: Likely benign. Last evaluated: 2019-12-20. Review status: criteria provided, single submitter. Criteria: ACMG Guidelines, 2015. Collection method: clinical testing. Allele origin: germline.

Ambry Genetics
Classification: Likely benign for Cardiovascular phenotype. Last evaluated: 2019-09-29. Review status: criteria provided, single submitter. Criteria: Ambry Variant Classification Scheme 2023. Collection method: clinical testing. Allele origin: germline.

Color Diagnostics, LLC DBA Color Health
Classification: Likely benign for Cardiomyopathy. Last evaluated: 2019-02-08. Review status: criteria provided, single submitter. Criteria: ACMG Guidelines, 2015. Collection method: clinical testing. Allele origin: germline.

GeneDx
Classification: Likely benign. Last evaluated: 2016-08-01. Review status: criteria provided, single submitter. Criteria: GeneDx Variant Classification (06012015). Collection method: clinical testing. Allele origin: germline. Affected: yes.
Comment: This variant is considered likely benign or benign based on one or more of the following criteria: it is a conservative change, it occurs at a poorly conserved position in the protein, it is predicted to be benign by multiple in silico algorithms, and/or has population frequency not consistent with disease.

Laboratory for Molecular Medicine, Mass General Brigham Personalized Medicine
Classification: Likely benign. Last evaluated: 2012-03-20. Review status: criteria provided, single submitter. Criteria: LMM Criteria. Collection method: clinical testing. Allele origin: germline. Observed: 2 variant alleles.
Comment: Asp770Asp in exon 24 of MYBPC3: This variant is not expected to have clinical si gnificance because it does not alter an amino acid residue and is not located wi thin the splice consensus sequence. Asp770Asp in exon 24 of MYBPC3 (allele freq uency = n/a)

NM_000256.3(MYBPC3):c.2310C>T (p.Asp770=)

Gene: MYBPC3 (myosin binding protein C3; minus strand). Cytogenetic location: 11p11.2.
Variant type: single nucleotide variant.
Coding change: c.2310C>T on transcript NM_000256.3 (MANE Select); coding-DNA position 2310, C replaced by T.
Protein change: p.Asp770=; no amino-acid change (aspartic acid 770 retained).
Molecular consequence: synonymous variant.
Genome position (GRCh38, 1-based): chr11:47,337,793, G>A on the plus strand (C>T on the coding strand, the complement: MYBPC3 is on the minus strand). VCF-style: chr11-47337793-G-A. GRCh37 (hg19) VCF-style: chr11-47359344-G-A.
Identifiers: ClinVar variation 42614 (VCV000042614.17), dbSNP rs397515959, ClinGen allele CA012068.